The following is an entry in ClinVar:

ClinVar aggregate classification (germline): Likely benign. Review status: criteria provided, multiple submitters, no conflicts (2 of 4 stars). 2 submissions from 2 submitters: Likely benign (2). Last evaluated 2024-09-01.

Allele frequency attached by ClinVar (database versions not stated): gnomAD exomes 0.00011; ExAC 0.00016; 1000 Genomes Project 30x 0.00125.

Submissions (2):

CeGaT Center for Human Genetics Tuebingen
Classification: Likely benign. Last evaluated: 2024-09-01. Review status: criteria provided, single submitter. Criteria: CeGaT Center For Human Genetics Tuebingen Variant Classification Criteria Version 2. Collection method: clinical testing. Allele origin: germline. Affected: yes. Observed: 1 variant allele.
Comment: AHNAK: BP4, BS2

Ambry Genetics
Classification: Likely benign. Last evaluated: 2022-01-05. Review status: criteria provided, single submitter. Criteria: Ambry Variant Classification Scheme 2023. Collection method: clinical testing. Allele origin: germline.

NM_001620.3(AHNAK):c.6313C>T (p.Leu2105Phe)

Gene: AHNAK (AHNAK nucleoprotein; minus strand). Cytogenetic location: 11q12.3.
Variant type: single nucleotide variant.
Coding change: c.6313C>T on transcript NM_001620.3 (MANE Select); coding-DNA position 6313, C replaced by T.
Protein change: p.Leu2105Phe; replaces leucine 2105 with phenylalanine.
Molecular consequence: missense variant. On other transcripts: intron variant (1).
Genome position (GRCh38, 1-based): chr11:62,528,104, G>A on the plus strand (C>T on the coding strand, the complement: AHNAK is on the minus strand). VCF-style: chr11-62528104-G-A. GRCh37 (hg19) VCF-style: chr11-62295576-G-A.
Other names: c.6313C>T, p.Leu2105Phe (NM_001346445.2, NM_001346446.2); c.342+6899C>T (NM_024060.4); short protein forms L2105F.
Identifiers: ClinVar variation 2379778 (VCV002379778.16), dbSNP rs752180095, ClinGen allele CA6045733.